The following is an entry in ClinVar:

NM_001042492.3(NF1):c.8151G>A (p.Pro2717=)

Gene: NF1 (neurofibromin 1; plus strand). Cytogenetic location: 17q11.2.
Variant type: single nucleotide variant.
Coding change: c.8151G>A on transcript NM_001042492.3 (MANE Select); coding-DNA position 8151, G replaced by A.
Protein change: p.Pro2717=; no amino-acid change (proline 2717 retained).
Molecular consequence: synonymous variant.
Genome position (GRCh38, 1-based): chr17:31,359,006, G>A. VCF-style: chr17-31359006-G-A. GRCh37 (hg19) VCF-style: chr17-29686024-G-A.
Other names: c.8088G>A, p.Pro2696= (NM_000267.4).
Identifiers: ClinVar variation 141033 (VCV000141033.35), dbSNP rs2285895, ClinGen allele CA164278.

ClinVar aggregate classification (germline): Benign/Likely benign. Review status: criteria provided, multiple submitters, no conflicts (2 of 4 stars). 21 submissions from 17 submitters: Benign (19); Likely benign (2). Last evaluated 2026-05-26.

Conditions:
Hereditary cancer-predisposing syndrome. Also called: Neoplastic Syndromes, Hereditary; Hereditary Cancer Syndrome; Tumor predisposition; Hereditary neoplastic syndrome. Identifiers: Orphanet 140162, MedGen C0027672, MeSH D009386, MONDO:0015356.
Juvenile myelomonocytic leukemia (JMML). Also called: LEUKEMIA, JUVENILE MYELOMONOCYTIC, SOMATIC. Identifiers: Orphanet 86834, MedGen C0349639, MONDO:0011908, OMIM 607785, HP:0012209.
Neurofibromatosis, familial spinal (FSNF). Identifiers: Orphanet 636, MedGen C1834235, MONDO:0008078, OMIM 162210. Disease mechanism: loss of function.
Neurofibromatosis-Noonan syndrome (NFNS). Also called: NEUROFIBROMATOSIS WITH NOONAN PHENOTYPE. Identifiers: Orphanet 638, MedGen C2931482, MONDO:0011035, OMIM 601321. Disease mechanism: loss of function.
Café-au-lait macules with pulmonary stenosis (WTSN). Also called: PULMONIC STENOSIS WITH CAFE-AU-LAIT SPOTS. Identifiers: MedGen C0553586, MONDO:0008672, OMIM 193520.
Neurofibromatosis, type 1 (NF1). Also called: VON RECKLINGHAUSEN DISEASE; Peripheral type neurofibromatosis; NEUROFIBROMATOSIS, TYPE I, SOMATIC; Neurofibromatosis, type I. Identifiers: Orphanet 636, MedGen C0027831, MONDO:0018975, OMIM 162200. Disease mechanism: loss of function.

Allele frequency attached by ClinVar (database versions not stated): gnomAD 0.00050 and 0.00084; gnomAD exomes 0.00084 and 0.00143; TOPMed 0.00094; ExAC 0.00166; 1000 Genomes Project 30x 0.00484; 1000 Genomes Project 0.00519.
gnomAD v4.1: 1,355 of 1,613,492 alleles (0.084%); highest among the groups gnomAD compares: East Asian, 2.4%; 22 homozygotes.

Submissions (21):

Institute for Biomarker Research, Medical Diagnostic Laboratories, L.L.C.
Classification: Benign for Hereditary cancer-predisposing syndrome. Last evaluated: 2026-05-26. Review status: criteria provided, single submitter. Criteria: ACMG Guidelines, 2015. Collection method: clinical testing. Allele origin: germline.
Comment: The synonymous variant NM_000267.3(NF1):c.8088G>A (p.Pro2696=) has been reported to ClinVar as Benign/Likely benign with a status of (2 stars) criteria provided, multiple submitters, no conflicts (Accession: VCV000141033.32). The variant is observed in one or more well-documented healthy adults. The p.Pro2696= variant is not predicted to disrupt the existing donor splice site 10bp upstream by any splice site algorithm. The p.Pro2696= variant results in a substitution of a base that is not predicted conserved by GERP++ and PhyloP. For these reasons, this variant has been classified as Benign.

Myriad Genetics, Inc.
Classification: Benign for Neurofibromatosis, type 1. Last evaluated: 2026-05-22. Review status: criteria provided, single submitter. Criteria: Myriad Autosomal Dominant, Autosomal Recessive and X-Linked Classification Criteria (2023). Collection method: clinical testing. Allele origin: unknown.
Comment: This variant is considered benign. This variant is a silent/synonymous amino acid change and it is not expected to impact splicing.

Labcorp Genetics (formerly Invitae), Labcorp
Classification: Benign for Neurofibromatosis, type 1. Last evaluated: 2026-02-04. Review status: criteria provided, single submitter. Criteria: Invitae Variant Classification Sherloc (09022015). Collection method: clinical testing. Allele origin: germline.

KCCC/NGS Laboratory, Kuwait Cancer Control Center
Classification: Benign for Neurofibromatosis, type 1. Last evaluated: 2025-02-01. Review status: criteria provided, single submitter. Criteria: ACMG Guidelines, 2015. Collection method: clinical testing. Allele origin: germline. Affected: no.

Blueprint Genetics
Classification: Likely benign. Last evaluated: 2024-10-31. Review status: criteria provided, single submitter. Criteria: ACMG Guidelines, 2015. Collection method: clinical testing. Allele origin: germline.

ARUP Laboratories, Molecular Genetics and Genomics, ARUP Laboratories
Classification: Benign. Last evaluated: 2024-02-23. Review status: criteria provided, single submitter. Criteria: ARUP Molecular Germline Variant Investigation Process 2024. Collection method: clinical testing. Allele origin: germline.

KCCC/NGS Laboratory, Kuwait Cancer Control Center
Classification: Benign for Neurofibromatosis, familial spinal. Last evaluated: 2023-07-07. Review status: criteria provided, single submitter. Criteria: ACMG Guidelines, 2015. Collection method: clinical testing. Allele origin: germline. Affected: yes.

Department of Pathology and Laboratory Medicine, Sinai Health System
Classification: Benign for Neurofibromatosis, type 1; Neurofibromatosis, familial spinal; Café-au-lait macules with pulmonary stenosis; Neurofibromatosis-Noonan syndrome; Juvenile myelomonocytic leukemia. Last evaluated: 2023-02-15. Review status: criteria provided, single submitter. Criteria: ACMG Guidelines, 2015. Collection method: clinical testing. Allele origin: germline. Affected: yes.

Genome-Nilou Lab
Classification: Benign for Neurofibromatosis, type 1. Last evaluated: 2022-03-15. Review status: criteria provided, single submitter. Criteria: ACMG Guidelines, 2015. Collection method: clinical testing. Allele origin: germline. Affected: no.

Sema4
Classification: Benign for Hereditary cancer-predisposing syndrome. Last evaluated: 2020-12-11. Review status: criteria provided, single submitter. Criteria: Sema4 Curation Guidelines. Collection method: curation. Allele origin: germline.

Genome Diagnostics Laboratory, The Hospital for Sick Children
Classification: Benign for Neurofibromatosis, type 1. Last evaluated: 2020-10-26. Review status: criteria provided, single submitter. Criteria: ACMG Guidelines, 2015. Collection method: clinical testing. Allele origin: germline. Affected: yes.

GeneDx
Classification: Likely benign. Last evaluated: 2020-09-22. Review status: criteria provided, single submitter. Criteria: GeneDx Variant Classification Process June 2021. Collection method: clinical testing. Allele origin: germline. Affected: yes.
Comment: This variant is associated with the following publications: (PMID: 25480383)

Genetic Services Laboratory, University of Chicago
Classification: Benign. Last evaluated: 2019-09-09. Review status: criteria provided, single submitter. Criteria: ACMG Guidelines, 2015. Collection method: clinical testing. Allele origin: germline. Affected: no.

Illumina Laboratory Services, Illumina
Classification: Benign for Neurofibromatosis, type 1. Last evaluated: 2018-01-12. Review status: criteria provided, single submitter. Criteria: ICSL Variant Classification Criteria 13 December 2019. Collection method: clinical testing. Allele origin: germline.
Comment: This variant was observed in the ICSL laboratory as part of a predisposition screen in an ostensibly healthy population. It had not been previously curated by ICSL or reported in the Human Gene Mutation Database (HGMD: prior to June 1st, 2018), and was therefore a candidate for classification through an automated scoring system. Utilizing variant allele frequency, disease prevalence and penetrance estimates, and inheritance mode, an automated score was calculated to assess if this variant is too frequent to cause the disease. Based on the score and internal cut-off values, a variant classified as benign is not then subjected to further curation. The score for this variant resulted in a classification of benign for this disease.

Illumina Laboratory Services, Illumina
Classification: Benign for Neurofibromatosis-Noonan syndrome. Last evaluated: 2018-01-12. Review status: criteria provided, single submitter. Criteria: ICSL Variant Classification Criteria 13 December 2019. Collection method: clinical testing. Allele origin: germline.
Comment: the same text as in the submission from Illumina Laboratory Services, Illumina above.

Illumina Laboratory Services, Illumina
Classification: Benign for Neurofibromatosis, familial spinal. Last evaluated: 2018-01-12. Review status: criteria provided, single submitter. Criteria: ICSL Variant Classification Criteria 13 December 2019. Collection method: clinical testing. Allele origin: germline.
Comment: the same text as in the submission from Illumina Laboratory Services, Illumina above.

Illumina Laboratory Services, Illumina
Classification: Benign for Café-au-lait macules with pulmonary stenosis. Last evaluated: 2018-01-12. Review status: criteria provided, single submitter. Criteria: ICSL Variant Classification Criteria 13 December 2019. Collection method: clinical testing. Allele origin: germline.
Comment: the same text as in the submission from Illumina Laboratory Services, Illumina above.

PreventionGenetics, part of Exact Sciences
Classification: Benign. Last evaluated: 2016-08-25. Review status: criteria provided, single submitter. Criteria: ACMG Guidelines, 2015. Collection method: clinical testing. Allele origin: germline.

Women's Health and Genetics/Laboratory Corporation of America, LabCorp
Classification: Benign. Last evaluated: 2016-05-12. Review status: criteria provided, single submitter. Criteria: LabCorp Variant Classification Summary - May 2015. Collection method: clinical testing. Allele origin: germline.
Comment: Variant summary: The NF1 c.8088G>A (p.Pro2696Pro) variant causes a synonymous change involving a non-conserved nucleotide with 5/5 splice prediction tools calculating no significant effect on splicing, although these predictions have yet to be functionally assessed. The variant of interest was observed in the large, broad control population, ExAC, with an allele frequency of 198/119290 (2 homozygotes, 1/602 (frequency: 0.00166), predominantly in the East Asian cohort, 166/8566 (1 homozygote, 1/51, frequency: 0301938), which significantly exceeds the estimated maximal expected allele frequency for a pathogenic NF1 variant of 1/4798 (0.0002084). Therefore, suggesting this variant is a common polymorphism found in population(s) of East Asian origin. In addition, multiple clinical laboratories have cited the variant as "benign." Therefore, taking all available lines of evidence into consideration, the variant of interest has been classified as Benign.

Laboratory for Molecular Medicine, Mass General Brigham Personalized Medicine
Classification: Benign. Last evaluated: 2014-11-24. Review status: criteria provided, single submitter. Criteria: LMM Criteria. Collection method: clinical testing. Allele origin: germline. Observed: 1 variant allele.
Comment: Pro2717Pro in exon 56 of NF1: This variant is not expected to have clinical sign ificance because it does not alter an amino acid residue and is not located with in the splice consensus sequence. It has been identified in 5.2% (10/194) of Han Chinese chromosomes from a broad population by the 1000 Genomes Project (dbSNP rs2285895).

Ambry Genetics
Classification: Benign for Hereditary cancer-predisposing syndrome. Last evaluated: 2014-06-20. Review status: criteria provided, single submitter. Criteria: Ambry Autosomal Dominant and X-Linked criteria (10/2015). Collection method: clinical testing. Allele origin: germline. Observed: 1 variant allele.
Comment: General population or subpopulation frequency is too high to be a pathogenic mutation based on disease/syndrome prevalence and penetrance